The following is an entry in ClinVar:

NM_001276270.2(MBD4):c.611T>G (p.Leu204Arg)

Gene: MBD4 (methyl-CpG binding domain 4, DNA glycosylase; minus strand). Cytogenetic location: 3q21.3.
Variant type: single nucleotide variant.
Coding change: c.611T>G on transcript NM_001276270.2 (MANE Select); coding-DNA position 611, T replaced by G.
Protein change: p.Leu204Arg; replaces leucine 204 with arginine.
Molecular consequence: missense variant. On other transcripts: intron variant (1).
Genome position (GRCh38, 1-based): chr3:129,437,033, A>C on the plus strand (T>G on the coding strand, the complement: MBD4 is on the minus strand). VCF-style: chr3-129437033-A-C. GRCh37 (hg19) VCF-style: chr3-129155876-A-C.
Other names: c.611T>G, p.Leu204Arg (NM_001276271.2, NM_001276272.2, NM_003925.3); c.247+775T>G (NM_001276273.2); short protein forms L204R.
Identifiers: ClinVar variation 4104638 (VCV004104638.1).

ClinVar aggregate classification (germline): Uncertain significance (1 of 4 stars; one submission).

Conditions:
Inborn genetic diseases. Identifiers: MedGen C0950123, MeSH D030342.

Submission:

Ambry Genetics
Classification: Uncertain significance for Inborn genetic diseases. Last evaluated: 2025-08-08. Review status: criteria provided, single submitter. Criteria: Ambry Variant Classification Scheme 2023. Collection method: clinical testing. Allele origin: germline.
Comment: The p.L204R variant (also known as c.611T>G), located in coding exon 3 of the MBD4 gene, results from a T to G substitution at nucleotide position 611. The leucine at codon 204 is replaced by arginine, an amino acid with dissimilar properties. This amino acid position is conserved. In addition, this alteration is predicted to be tolerated by in silico analysis. Based on the available evidence, the clinical significance of this variant remains unclear.